The following is an entry in ClinVar:

NM_001042492.3(NF1):c.356A>G (p.His119Arg)

Gene: NF1 (neurofibromin 1; plus strand). Cytogenetic location: 17q11.2.
Variant type: single nucleotide variant.
Coding change: c.356A>G on transcript NM_001042492.3 (MANE Select); coding-DNA position 356, A replaced by G.
Protein change: p.His119Arg; replaces histidine 119 with arginine.
Molecular consequence: missense variant.
Genome position (GRCh38, 1-based): chr17:31,163,253, A>G. VCF-style: chr17-31163253-A-G. GRCh37 (hg19) VCF-style: chr17-29490271-A-G.
Other names: c.356A>G, p.His119Arg (NM_000267.4, NM_001128147.3); short protein forms H119R.
Identifiers: ClinVar variation 484157 (VCV000484157.15), dbSNP rs150080742, ClinGen allele CA289324751.

ClinVar aggregate classification (germline): Conflicting classifications of pathogenicity. Review status: criteria provided, conflicting classifications (1 of 4 stars). 4 submissions from 4 submitters: Uncertain significance (3); Likely benign (1). Last evaluated 2026-01-25.

Conditions:
Cardiovascular phenotype. Identifiers: MedGen CN230736.
Hereditary cancer-predisposing syndrome. Also called: Hereditary neoplastic syndrome; Neoplastic Syndromes, Hereditary; Tumor predisposition; Hereditary Cancer Syndrome. Identifiers: Orphanet 140162, MedGen C0027672, MeSH D009386, MONDO:0015356.
Neurofibromatosis, type 1 (NF1). Also called: VON RECKLINGHAUSEN DISEASE; Peripheral type neurofibromatosis; NEUROFIBROMATOSIS, TYPE I, SOMATIC; Neurofibromatosis, type I. Identifiers: Orphanet 636, MedGen C0027831, MONDO:0018975, OMIM 162200. Disease mechanism: loss of function.

Allele frequency attached by ClinVar (database versions not stated): gnomAD exomes below 0.00001; ESP Exome Variant Server 0.00008.
gnomAD v4.1: 1 of 1,614,138 alleles (0.000062%); highest among the groups gnomAD compares: Non-Finnish European, 0.000085%; no homozygotes.

Submissions (4):

Labcorp Genetics (formerly Invitae), Labcorp
Classification: Likely benign for Neurofibromatosis, type 1. Last evaluated: 2026-01-25. Review status: criteria provided, single submitter. Criteria: Invitae Variant Classification Sherloc (09022015). Collection method: clinical testing. Allele origin: germline.

Ambry Genetics
Classification: Uncertain significance for Cardiovascular phenotype; Hereditary cancer-predisposing syndrome. Last evaluated: 2025-02-04. Review status: criteria provided, single submitter. Criteria: Ambry Variant Classification Scheme 2023. Collection method: clinical testing. Allele origin: germline.
Comment: The p.H119R variant (also known as c.356A>G), located in coding exon 4 of the NF1 gene, results from an A to G substitution at nucleotide position 356. The histidine at codon 119 is replaced by arginine, an amino acid with highly similar properties. This amino acid position is highly conserved in available vertebrate species. In addition, the in silico prediction for this alteration is inconclusive. Since supporting evidence is limited at this time, the clinical significance of this alteration remains unclear.

GeneDx
Classification: Uncertain significance. Last evaluated: 2023-10-26. Review status: criteria provided, single submitter. Criteria: GeneDx Variant Classification Process June 2021. Collection method: clinical testing. Allele origin: germline. Affected: yes.
Comment: In silico analysis supports that this missense variant does not alter protein structure/function; Has not been previously published as pathogenic or benign to our knowledge

Genome-Nilou Lab
Classification: Uncertain significance for Neurofibromatosis, type 1. Last evaluated: 2022-03-15. Review status: criteria provided, single submitter. Criteria: ACMG Guidelines, 2015. Collection method: clinical testing. Allele origin: germline. Affected: no.